The following is an entry in ClinVar:

ClinVar aggregate classification (germline): Uncertain significance (1 of 4 stars; one submission).

Conditions:
Pulmonary fibrosis and/or bone marrow failure, Telomere-related, 3. Also called: PULMONARY FIBROSIS AND/OR BONE MARROW FAILURE SYNDROME, TELOMERE-RELATED, 3. Identifiers: Orphanet 2032, MedGen C4225346, MONDO:0014613, OMIM 616373.
Dyskeratosis congenita, autosomal recessive 5 (DKCB5). Identifiers: MedGen C3554656, MONDO:0014076, OMIM 615190.

gnomAD v4.1: 3 of 1,611,276 alleles (0.00019%); highest among the groups gnomAD compares: East Asian, 0.0045%; no homozygotes.

Submission:

Labcorp Genetics (formerly Invitae), Labcorp
Classification: Uncertain significance for Dyskeratosis congenita, autosomal recessive 5; Pulmonary fibrosis and/or bone marrow failure, Telomere-related, 3. Last evaluated: 2024-03-27. Review status: criteria provided, single submitter. Criteria: Invitae Variant Classification Sherloc (09022015). Collection method: clinical testing. Allele origin: germline.
Comment: This sequence change falls in intron 30 of the RTEL1 gene. It does not directly change the encoded amino acid sequence of the RTEL1 protein. This variant is not present in population databases (gnomAD no frequency). This variant has not been reported in the literature in individuals affected with RTEL1-related conditions. Algorithms developed to predict the effect of sequence changes on RNA splicing suggest that this variant may create or strengthen a splice site. In summary, the available evidence is currently insufficient to determine the role of this variant in disease. Therefore, it has been classified as a Variant of Uncertain Significance.

NM_001283009.2(RTEL1):c.2992+9G>A

Genes: RTEL1 (regulator of telomere elongation helicase 1; plus strand), RTEL1-TNFRSF6B (RTEL1-TNFRSF6B readthrough (NMD candidate); plus strand). Cytogenetic location: 20q13.33.
Variant type: single nucleotide variant.
Coding change: c.2992+9G>A on transcript NM_001283009.2 (MANE Select); 9 bases into the intron after coding-DNA position 2992, G replaced by A.
Molecular consequence: intron variant.
Genome position (GRCh38, 1-based): chr20:63,693,292, G>A. VCF-style: chr20-63693292-G-A. GRCh37 (hg19) VCF-style: chr20-62324645-G-A.
Other names: c.2323+9G>A (NM_001283010.1); c.3064+9G>A (NM_032957.5); c.2992+9G>A (NM_016434.4).
Identifiers: ClinVar variation 3750412 (VCV003750412.2).
Genomic context (GRCh38, chr20:63,693,292, plus strand): 5'-GAGCACAGCATTCCCCGAAGGCAGCGGGCACAGCCGGTCCTGGACCCCACTGGTAAATGG[G>A]GCCCCAGGTGGGACCCTCAGACTCCTGCGTGGAAGGCAGTGTGGGCCAGAGTCCTGGGCT-3'